The following is an entry in ClinVar:

ClinVar aggregate classification (germline): Likely benign (1 of 4 stars; one submission).

gnomAD v4.1: 44 of 1,612,808 alleles (0.0027%); highest among the groups gnomAD compares: Admixed American, 0.0067%; no homozygotes.

Submission:

CeGaT Center for Human Genetics Tuebingen
Classification: Likely benign. Last evaluated: 2025-11-01. Review status: criteria provided, single submitter. Criteria: CeGaT Center For Human Genetics Tuebingen Variant Classification Criteria Version 2. Collection method: clinical testing. Allele origin: germline. Affected: yes. Observed: 1 variant allele.
Comment: MYT1L: BP4, BP7

NM_001303052.2(MYT1L):c.1809C>T (p.Arg603=)

Gene: MYT1L (myelin transcription factor 1 like; minus strand). Cytogenetic location: 2p25.3.
Variant type: single nucleotide variant.
Coding change: c.1809C>T on transcript NM_001303052.2 (MANE Select); coding-DNA position 1809, C replaced by T.
Protein change: p.Arg603=; no amino-acid change (arginine 603 retained).
Molecular consequence: synonymous variant.
Genome position (GRCh38, 1-based): chr2:1,910,248, G>A on the plus strand (C>T on the coding strand, the complement: MYT1L is on the minus strand). VCF-style: chr2-1910248-G-A. GRCh37 (hg19) VCF-style: chr2-1914020-G-A.
Other names: c.1809C>T, p.Arg603= (NM_001329844.2, NM_001329845.1, NM_001329851.3); c.1803C>T, p.Arg601= (NM_001329846.3, NM_001329847.2, NM_001329848.1 and 3 more transcripts).
Identifiers: ClinVar variation 4533713 (VCV004533713.6).